The following is an entry in ClinVar:

ClinVar aggregate classification (germline): Uncertain significance (1 of 4 stars; one submission).

Conditions:
Charcot-Marie-Tooth disease type 4. Also called: Charcot-Marie-Tooth disease, type IV; Charcot-Marie-Tooth, Type 4. Identifiers: Orphanet 64749, MedGen C4082197, MONDO:0018995.

Allele frequency attached by ClinVar (database versions not stated): gnomAD 0.00001.
gnomAD v4.1: 9 of 1,614,020 alleles (0.00056%); highest among the groups gnomAD compares: East Asian, 0.0022%; no homozygotes.

Submission:

Labcorp Genetics (formerly Invitae), Labcorp
Classification: Uncertain significance for Charcot-Marie-Tooth disease type 4. Last evaluated: 2021-02-18. Review status: criteria provided, single submitter. Criteria: Invitae Variant Classification Sherloc (09022015). Collection method: clinical testing. Allele origin: germline.
Comment: This sequence change replaces glutamic acid with glutamine at codon 1713 of the SBF2 protein (p.Glu1713Gln). The glutamic acid residue is moderately conserved and there is a small physicochemical difference between glutamic acid and glutamine. This variant is not present in population databases (ExAC no frequency). This variant has not been reported in the literature in individuals with SBF2-related conditions. Algorithms developed to predict the effect of missense changes on protein structure and function output the following: SIFT: "Tolerated"; PolyPhen-2: "Benign"; Align-GVGD: "Class C0". The glutamine amino acid residue is found in multiple mammalian species, suggesting that this missense change does not adversely affect protein function. These predictions have not been confirmed by published functional studies and their clinical significance is uncertain. In summary, the available evidence is currently insufficient to determine the role of this variant in disease. Therefore, it has been classified as a Variant of Uncertain Significance.

NM_030962.4(SBF2):c.5137G>C (p.Glu1713Gln)

Genes: SBF2-AS1 (SBF2 antisense RNA 1; plus strand), SBF2 (SET binding factor 2; minus strand), LOC105369149 (uncharacterized LOC105369149; plus strand). Cytogenetic location: 11p15.4.
Variant type: single nucleotide variant.
Coding change: c.5137G>C on transcript NM_030962.4 (MANE Select); coding-DNA position 5137, G replaced by C.
Protein change: p.Glu1713Gln; replaces glutamic acid 1713 with glutamine.
Molecular consequence: missense variant.
Genome position (GRCh38, 1-based): chr11:9,785,219, C>G on the plus strand (G>C on the coding strand, the complement: SBF2 is on the minus strand). VCF-style: chr11-9785219-C-G. GRCh37 (hg19) VCF-style: chr11-9806766-C-G.
Other names: c.5233G>C, p.Glu1745Gln (NM_001386339.1); c.5008G>C, p.Glu1670Gln (NM_001386342.1); short protein forms E1745Q, E1670Q, E1713Q.
Identifiers: ClinVar variation 1416976 (VCV001416976.7), dbSNP rs1852290948, ClinGen allele CA379631635.
Genomic context (GRCh38, chr11:9,785,219, plus strand): 5'-AGAGCGTGGCTGCTCTTCGCTCCACTCCATTGGATGGGGAGATGCTGGAATTCTGTTCCT[C>G]CCCCATGCTGCTGTCTGGGAGATGTAGCAGAGACCTCTTCTGATAGGAAGGTAGGTTGGT-3'
Protein context (NP_112224.1, residues 1703-1723): LLHLPDSSMG[Glu1713Gln]EQNSSISPSN